The following is an entry in ClinVar:

ClinVar aggregate classification (germline): Uncertain significance. Review status: criteria provided, multiple submitters, no conflicts (2 of 4 stars). 2 submissions from 2 submitters: Uncertain significance (2). Last evaluated 2023-03-05.

Conditions:
Hereditary cancer-predisposing syndrome. Also called: Neoplastic Syndromes, Hereditary; Tumor predisposition; Hereditary neoplastic syndrome; Hereditary Cancer Syndrome. Identifiers: Orphanet 140162, MedGen C0027672, MeSH D009386, MONDO:0015356.
Bloom syndrome (BLM). Also called: Bloom-Torre-Machacek syndrome. Identifiers: Orphanet 125, MedGen C0005859, MONDO:0008876, OMIM 210900.

Submissions (2):

Ambry Genetics
Classification: Uncertain significance for Hereditary cancer-predisposing syndrome. Last evaluated: 2023-03-05. Review status: criteria provided, single submitter. Criteria: Ambry Variant Classification Scheme 2023. Collection method: clinical testing. Allele origin: germline.
Comment: The p.A1362G variant (also known as c.4085C>G), located in coding exon 21 of the BLM gene, results from a C to G substitution at nucleotide position 4085. The alanine at codon 1362 is replaced by glycine, an amino acid with similar properties. This amino acid position is conserved. In addition, this alteration is predicted to be tolerated by in silico analysis. Since supporting evidence is limited at this time, the clinical significance of this alteration remains unclear.

Labcorp Genetics (formerly Invitae), Labcorp
Classification: Uncertain significance for Bloom syndrome. Last evaluated: 2021-10-21. Review status: criteria provided, single submitter. Criteria: Invitae Variant Classification Sherloc (09022015). Collection method: clinical testing. Allele origin: germline.
Comment: In summary, the available evidence is currently insufficient to determine the role of this variant in disease. Therefore, it has been classified as a Variant of Uncertain Significance. Algorithms developed to predict the effect of missense changes on protein structure and function (SIFT, PolyPhen-2, Align-GVGD) all suggest that this variant is likely to be tolerated. This variant has not been reported in the literature in individuals affected with BLM-related conditions. This sequence change replaces alanine with glycine at codon 1362 of the BLM protein (p.Ala1362Gly). The alanine residue is weakly conserved and there is a small physicochemical difference between alanine and glycine. This variant is not present in population databases (ExAC no frequency).

NM_000057.4(BLM):c.4085C>G (p.Ala1362Gly)

Gene: BLM (BLM RecQ like helicase; plus strand). Cytogenetic location: 15q26.1.
Variant type: single nucleotide variant.
Coding change: c.4085C>G on transcript NM_000057.4 (MANE Select); coding-DNA position 4085, C replaced by G.
Protein change: p.Ala1362Gly; replaces alanine 1362 with glycine.
Molecular consequence: missense variant.
Genome position (GRCh38, 1-based): chr15:90,815,110, C>G. VCF-style: chr15-90815110-C-G. GRCh37 (hg19) VCF-style: chr15-91358340-C-G.
Other names: c.4085C>G (NM_000057.2); c.4085C>G, p.Ala1362Gly (NM_001287246.2); c.3692C>G, p.Ala1231Gly (NM_001287247.2); c.2960C>G, p.Ala987Gly (NM_001287248.2); short protein forms A1231G, A1362G, A987G.
Identifiers: ClinVar variation 1388312 (VCV001388312.7), dbSNP rs2151202232, ClinGen allele CA393852051.